The following is an entry in ClinVar:

NM_000037.4(ANK1):c.528C>T (p.Ala176=)

Genes: ANK1 (ankyrin 1; minus strand), LOC124153154 (Sharpr-MPRA regulatory region 1462; plus strand). Cytogenetic location: 8p11.21.
Variant type: single nucleotide variant.
Coding change: c.528C>T on transcript NM_000037.4 (MANE Select); coding-DNA position 528, C replaced by T.
Protein change: p.Ala176=; no amino-acid change (alanine 176 retained).
Molecular consequence: synonymous variant.
Genome position (GRCh38, 1-based): chr8:41,725,845, G>A on the plus strand (C>T on the coding strand, the complement: ANK1 is on the minus strand). VCF-style: chr8-41725845-G-A. GRCh37 (hg19) VCF-style: chr8-41583363-G-A.
Other names: c.627C>T, p.Ala209= (NM_001142446.2); c.528C>T, p.Ala176= (NM_020475.3, NM_020476.3, NM_020477.3).
Identifiers: ClinVar variation 911140 (VCV000911140.4), dbSNP rs544906793, ClinGen allele CA4728946.
Genomic context (GRCh38, chr8:41,725,845, plus strand): 5'-GTCGTTCTGCAGCAGCACCGCAGCCGTGCGCGTGTCGTCGTTGCGGGCCGCGATGTGCAG[G>A]GCCGGGAGGCGCACCTTCCCCTTGGTGCCGTAGTTGATGAGGTGCGCGACGACGTTCTCA-3'
Protein context (NP_000028.3, residues 166-186): YGTKGKVRLP[Ala176=]LHIAARNDDT

ClinVar aggregate classification (germline): Conflicting classifications of pathogenicity. Review status: criteria provided, conflicting classifications (1 of 4 stars). 2 submissions from 1 submitter: Uncertain significance (1); Likely benign (1). Last evaluated 2018-01-13.

Conditions:
Hereditary spherocytosis type 1. Also called: Spherocytosis type 1; ANK1-Related Spherocytosis. Identifiers: Orphanet 822, MedGen C2674218, MONDO:0008447, OMIM 182900.
Spherocytosis. Identifiers: MedGen C0553720, HP:0004444.

Allele frequency attached by ClinVar (database versions not stated): TOPMed 0.00007; ExAC 0.00014; 1000 Genomes Project 30x 0.00016; gnomAD exomes 0.00018; 1000 Genomes Project 0.00020.
gnomAD v4.1: 52 of 1,611,980 alleles (0.0032%); highest among the groups gnomAD compares: Admixed American, 0.085%; 1 homozygote.

Submissions (2):

Illumina Laboratory Services, Illumina
Classification: Likely benign for Hereditary spherocytosis type 1. Last evaluated: 2018-01-13. Review status: criteria provided, single submitter. Criteria: ICSL Variant Classification Criteria 13 December 2019. Collection method: clinical testing. Allele origin: germline.
Comment: This variant was observed in the ICSL laboratory as part of a predisposition screen in an ostensibly healthy population. It had not been previously curated by ICSL or reported in the Human Gene Mutation Database (HGMD: prior to June 1st, 2018), and was therefore a candidate for classification through an automated scoring system. Utilizing variant allele frequency, disease prevalence and penetrance estimates, and inheritance mode, an automated score was calculated to assess if this variant is too frequent to cause the disease. Based on the score and internal cut-off values, a variant classified as likely benign is not then subjected to further curation. The score for this variant resulted in a classification of likely benign for this disease.

Illumina Laboratory Services, Illumina
Classification: Uncertain significance for Spherocytosis. Last evaluated: 2018-01-13. Review status: criteria provided, single submitter. Criteria: ICSL Variant Classification Criteria 13 December 2019. Collection method: clinical testing. Allele origin: germline.